The following is an entry in ClinVar:

ClinVar aggregate classification (germline): Uncertain significance. Review status: criteria provided, multiple submitters, no conflicts (2 of 4 stars). 7 submissions from 7 submitters: Uncertain significance (7). Last evaluated 2026-09-03.

Conditions:
Hereditary cancer-predisposing syndrome. Also called: Neoplastic Syndromes, Hereditary; Tumor predisposition; Hereditary neoplastic syndrome; Hereditary Cancer Syndrome. Identifiers: Orphanet 140162, MedGen C0027672, MeSH D009386, MONDO:0015356.
Endometrial carcinoma. Also called: Endometrial carcinoma, somatic. Identifiers: MedGen C0476089, MONDO:0002447, OMIM 608089, HP:0012114.
MSH3-related disorder. Also called: MSH3-related condition.

Allele frequency attached by ClinVar (database versions not stated): gnomAD 0.00001; ExAC 0.00002; TOPMed 0.00002.

Submissions (7):

PreventionGenetics, part of Exact Sciences
Classification: Uncertain significance for MSH3-related condition. Last evaluated: 2026-09-03. Review status: criteria provided, single submitter. Criteria: ACMG Guidelines, 2015. Collection method: clinical testing. Allele origin: germline.
Comment: The MSH3 c.670C>T variant is predicted to result in the amino acid substitution p.Arg224Trp. This variant has been reported in an individual with colorectal cancer (Djursby et al. 2020. PubMed ID: 33193653). It is reported in 0.0065% of alleles in individuals of South Asian descent in gnomAD and is classified as uncertain in ClinVar (Variation ID: 647524). At this time, the clinical significance of this variant is uncertain due to the absence of conclusive functional and genetic evidence.

Labcorp Genetics (formerly Invitae), Labcorp
Classification: Uncertain significance. Last evaluated: 2025-12-13. Review status: criteria provided, single submitter. Criteria: Invitae Variant Classification Sherloc (09022015). Collection method: clinical testing. Allele origin: germline.
Comment: This sequence change replaces arginine, which is basic and polar, with tryptophan, which is neutral and slightly polar, at codon 224 of the MSH3 protein (p.Arg224Trp). This variant is present in population databases (rs748207601, gnomAD 0.01%). This missense change has been observed in individual(s) with colorectal cancer (PMID: 33193653). ClinVar contains an entry for this variant (Variation ID: 647524). An algorithm developed to predict the effect of missense changes on protein structure and function (PolyPhen-2) suggests that this variant is likely to be disruptive. In summary, the available evidence is currently insufficient to determine the role of this variant in disease. Therefore, it has been classified as a Variant of Uncertain Significance.

Ambry Genetics
Classification: Uncertain significance for Hereditary cancer-predisposing syndrome. Last evaluated: 2025-04-11. Review status: criteria provided, single submitter. Criteria: Ambry Variant Classification Scheme 2023. Collection method: clinical testing. Allele origin: germline.
Comment: The p.R224W variant (also known as c.670C>T), located in coding exon 4 of the MSH3 gene, results from a C to T substitution at nucleotide position 670. The arginine at codon 224 is replaced by tryptophan, an amino acid with dissimilar properties. This amino acid position is highly conserved in available vertebrate species. In addition, the in silico prediction for this alteration is inconclusive. Based on the available evidence, the clinical significance of this variant remains unclear.

Center for Genomic Medicine, Rigshospitalet, Copenhagen University Hospital
Classification: Uncertain significance. Last evaluated: 2025-03-04. Review status: criteria provided, single submitter. Criteria: ACMG Guidelines, 2015. Collection method: clinical testing. Allele origin: germline.

Quest Diagnostics Nichols Institute San Juan Capistrano
Classification: Uncertain significance. Last evaluated: 2024-12-11. Review status: criteria provided, single submitter. Criteria: Quest Diagnostics criteria. Collection method: clinical testing. Allele origin: unknown.
Comment: The MSH3 c.670C>T (p.Arg224Trp) variant has been reported in the published literature in an individual with colorectal cancer (PMID: 33193653 (2020)). The frequency of this variant in the general population (Genome Aggregation Database) is uninformative in the assessment of its pathogenicity. Analysis of this variant using bioinformatics tools for the prediction of the effect of amino acid changes on protein structure and function yielded conflicting predictions that this variant is benign or damaging. Based on the available information, we are unable to determine the clinical significance of this variant.

GeneDx
Classification: Uncertain significance. Last evaluated: 2024-08-14. Review status: criteria provided, single submitter. Criteria: GeneDx Variant Classification Process June 2021. Collection method: clinical testing. Allele origin: germline. Affected: yes.
Comment: Not observed at significant frequency in large population cohorts (gnomAD); In silico analysis supports that this missense variant has a deleterious effect on protein structure/function; Observed in an individual with colorectal cancer (PMID: 35366121); This variant is associated with the following publications: (PMID: 35366121)

Baylor Genetics
Classification: Uncertain significance for Endometrial carcinoma. Last evaluated: 2024-03-05. Review status: criteria provided, single submitter. Criteria: ACMG Guidelines, 2015. Collection method: clinical testing. Allele origin: unknown.

Literature cited by the submitters: PubMed 33193653 (cited by Labcorp Genetics (formerly Invitae), Labcorp and Quest Diagnostics Nichols Institute San Juan Capistrano).

NM_002439.5(MSH3):c.670C>T (p.Arg224Trp)

Gene: MSH3 (mutS homolog 3; plus strand). Cytogenetic location: 5q14.1.
Variant type: single nucleotide variant.
Coding change: c.670C>T on transcript NM_002439.5 (MANE Select); coding-DNA position 670, C replaced by T.
Protein change: p.Arg224Trp; replaces arginine 224 with tryptophan.
Molecular consequence: missense variant.
Genome position (GRCh38, 1-based): chr5:80,670,187, C>T. VCF-style: chr5-80670187-C-T. GRCh37 (hg19) VCF-style: chr5-79966006-C-T.
Other names: short protein forms R224W.
Identifiers: ClinVar variation 647524 (VCV000647524.26), dbSNP rs748207601, ClinGen allele CA3327669.